The following is an entry in ClinVar:

NM_024675.4(PALB2):c.2650del (p.Glu884fs)

Gene: PALB2 (partner and localizer of BRCA2; minus strand). Cytogenetic location: 16p12.2.
Variant type: Deletion.
Coding change: c.2650del on transcript NM_024675.4 (MANE Select); coding-DNA position 2650, one base deleted (G; older notation c.2650delG).
Protein change: p.Glu884fs; shifts the reading frame from glutamic acid 884.
Molecular consequence: frameshift variant. On other transcripts: intron variant (3).
Genome position (GRCh38, 1-based): chr16:23,626,334, C deleted on the plus strand (G on the coding strand, the reverse complement: PALB2 is on the minus strand). VCF-style (leftmost placement, unchanged base first): chr16-23626333-TC-T. GRCh37 (hg19) VCF-style: chr16-23637654-TC-T.
Other names: c.2590del, p.Glu864fs (NM_001407296.1); c.2578del, p.Glu860fs (NM_001407297.1); c.2650del, p.Glu884fs (NM_001407299.1, NM_001407300.1, NM_001407301.1); c.1765del, p.Glu589fs (NM_001407304.1, NM_001407305.1, NM_001407306.1 and 4 more transcripts); c.862del, p.Glu288fs (NM_001407312.1, NM_001407313.1); c.184del, p.Glu62fs (NM_001407314.1); c.2587-2240del (NM_001407302.1, NM_001407298.1); c.1702-2240del (NM_001407307.1); short protein forms E62fs, E288fs, E864fs, E589fs, E860fs, E884fs.
Identifiers: ClinVar variation 3413503 (VCV003413503.1).

ClinVar aggregate classification (germline): Pathogenic (1 of 4 stars; one submission).

Conditions:
Hereditary cancer-predisposing syndrome. Also called: Neoplastic Syndromes, Hereditary; Tumor predisposition; Hereditary Cancer Syndrome; Hereditary neoplastic syndrome. Identifiers: Orphanet 140162, MedGen C0027672, MeSH D009386, MONDO:0015356.

Submission:

Ambry Genetics
Classification: Pathogenic for Hereditary cancer-predisposing syndrome. Last evaluated: 2024-11-27. Review status: criteria provided, single submitter. Criteria: Ambry Variant Classification Scheme 2023. Collection method: clinical testing. Allele origin: germline.
Comment: The c.2650delG pathogenic mutation, located in coding exon 7 of the PALB2 gene, results from a deletion of one nucleotide at nucleotide position 2650, causing a translational frameshift with a predicted alternate stop codon (p.E884Sfs*5). This variant is considered to be rare based on population cohorts in the Genome Aggregation Database (gnomAD). This alteration is expected to result in loss of function by premature protein truncation or nonsense-mediated mRNA decay. As such, this alteration is interpreted as a disease-causing mutation.